The following is an entry in ClinVar:

ClinVar aggregate classification (germline): Uncertain significance (1 of 4 stars; one submission).

Allele frequency attached by ClinVar (database versions not stated): TOPMed below 0.00001; gnomAD exomes 0.00001; ExAC 0.00002.
gnomAD v4.1: 4 of 1,614,126 alleles (0.00025%); highest among the groups gnomAD compares: Admixed American, 0.0067%; no homozygotes.

Submission:

Labcorp Genetics (formerly Invitae), Labcorp
Classification: Uncertain significance. Last evaluated: 2022-03-19. Review status: criteria provided, single submitter. Criteria: Invitae Variant Classification Sherloc (09022015). Collection method: clinical testing. Allele origin: germline.
Comment: This sequence change replaces isoleucine, which is neutral and non-polar, with methionine, which is neutral and non-polar, at codon 353 of the SLC2A9 protein (p.Ile353Met). In summary, the available evidence is currently insufficient to determine the role of this variant in disease. Therefore, it has been classified as a Variant of Uncertain Significance. Algorithms developed to predict the effect of missense changes on protein structure and function are either unavailable or do not agree on the potential impact of this missense change (SIFT: "Tolerated"; PolyPhen-2: "Probably Damaging"; Align-GVGD: "Class C0"). This variant has not been reported in the literature in individuals affected with SLC2A9-related conditions. This variant is present in population databases (rs267600301, gnomAD 0.01%).

NM_020041.3(SLC2A9):c.1059C>G (p.Ile353Met)

Gene: SLC2A9 (solute carrier family 2 member 9; minus strand). Cytogenetic location: 4p16.1.
Variant type: single nucleotide variant.
Coding change: c.1059C>G on transcript NM_020041.3 (MANE Select); coding-DNA position 1059, C replaced by G.
Protein change: p.Ile353Met; replaces isoleucine 353 with methionine.
Molecular consequence: missense variant.
Genome position (GRCh38, 1-based): chr4:9,908,289, G>C on the plus strand (C>G on the coding strand, the complement: SLC2A9 is on the minus strand). VCF-style: chr4-9908289-G-C. GRCh37 (hg19) VCF-style: chr4-9909913-G-C.
Other names: c.972C>G, p.Ile324Met (NM_001001290.2); short protein forms I324M, I353M.
Identifiers: ClinVar variation 2180218 (VCV002180218.4), dbSNP rs267600301, ClinGen allele CA2856991.